The following is an entry in ClinVar:

ClinVar aggregate classification (germline): Uncertain significance (1 of 4 stars; one submission).

Conditions:
Hereditary cancer-predisposing syndrome. Also called: Neoplastic Syndromes, Hereditary; Tumor predisposition; Hereditary neoplastic syndrome; Hereditary Cancer Syndrome. Identifiers: Orphanet 140162, MedGen C0027672, MeSH D009386, MONDO:0015356.

Submission:

Ambry Genetics
Classification: Uncertain significance for Hereditary cancer-predisposing syndrome. Last evaluated: 2026-07-06. Review status: criteria provided, single submitter. Criteria: Ambry Variant Classification Scheme 2023. Collection method: clinical testing. Allele origin: germline.
Comment: The p.E2281G variant (also known as c.6842A>G), located in coding exon 15 of the APC gene, results from an A to G substitution at nucleotide position 6842. The glutamic acid at codon 2281 is replaced by glycine, an amino acid with similar properties. This amino acid position is conserved. In addition, in silico predictors for this gene do not accurately predict pathogenicity. Based on the available evidence, the clinical significance of this variant remains unclear.

NM_000038.6(APC):c.6842A>G (p.Glu2281Gly)

Gene: APC (APC regulator of Wnt signaling pathway; plus strand). Cytogenetic location: 5q22.2.
Variant type: single nucleotide variant.
Coding change: c.6842A>G on transcript NM_000038.6 (MANE Select); coding-DNA position 6842, A replaced by G.
Protein change: p.Glu2281Gly; replaces glutamic acid 2281 with glycine.
Molecular consequence: missense variant. On other transcripts: non-coding transcript variant (2).
Genome position (GRCh38, 1-based): chr5:112,842,436, A>G. VCF-style: chr5-112842436-A-G. GRCh37 (hg19) VCF-style: chr5-112178133-A-G.
Other names: c.6665A>G, p.Glu2222Gly (NM_001407453.1, NM_001354901.2); c.6593A>G, p.Glu2198Gly (NM_001407454.1, NM_001407455.1, NM_001407456.1 and 1 more transcripts); c.6539A>G, p.Glu2180Gly (NM_001407458.1, NM_001407459.1, NM_001407460.1 and 1 more transcripts); c.6455A>G, p.Glu2152Gly (NM_001407467.1, NM_001407469.1); c.5993A>G, p.Glu1998Gly (NM_001407470.1, NM_001354906.2); c.5690A>G, p.Glu1897Gly (NM_001407471.1, NM_001407472.1); c.6842A>G, p.Glu2281Gly (NM_001127510.3, NM_001354895.2, NM_001407450.1); c.6788A>G, p.Glu2263Gly (NM_001127511.3); and 11 more; short protein forms E1897G, E2155G, E2222G, E2253G, E2271G, E2309G, E2121G, E2152G.
Identifiers: ClinVar variation 5025029 (VCV005025029.1).